The following is an entry in ClinVar:

ClinVar aggregate classification (germline): Uncertain significance (1 of 4 stars; one submission).

Conditions:
Hyperphosphatasia with intellectual disability syndrome 5 (GPIBD11). Also called: GLYCOSYLPHOSPHATIDYLINOSITOL BIOSYNTHESIS DEFECT 11. Identifiers: Orphanet 247262, MedGen C4014958, MONDO:0014457, OMIM 616025.

Submission:

Labcorp Genetics (formerly Invitae), Labcorp
Classification: Uncertain significance for Hyperphosphatasia with mental retardation syndrome 5. Last evaluated: 2018-06-26. Review status: criteria provided, single submitter. Criteria: Invitae Variant Classification Sherloc (09022015). Collection method: clinical testing. Allele origin: germline.
Comment: A gross duplication of the genomic region encompassing the full coding sequence of the PIGW gene has been identified. The boundaries of this event are unknown as the duplication extends beyond the assayed region for this gene and therefore may encompass additional genes. As the precise location of this duplication is unknown, it may be in tandem or it may be located elsewhere in the genome. This variant has not been reported in the literature in individuals with PIGW-related disease. In summary, the available evidence is currently insufficient to determine the role of this variant in disease. Therefore, it has been classified as a Variant of Uncertain Significance.

NC_000017.10:g.(?_34863642)_(34916711_?)dup

Genes: GGNBP2 (gametogenetin binding protein 2; plus strand), MYO19 (myosin XIX; minus strand), PIGW (phosphatidylinositol glycan anchor biosynthesis class W; plus strand). Cytogenetic location: 17q12.
Variant type: Duplication.
Identifiers: ClinVar variation 583936 (VCV000583936.1).